The following is an entry in ClinVar:

NM_001199107.2(TBC1D24):c.226G>A (p.Asp76Asn)

Gene: TBC1D24 (TBC1 domain family member 24; plus strand). Cytogenetic location: 16p13.3.
Variant type: single nucleotide variant.
Coding change: c.226G>A on transcript NM_001199107.2 (MANE Select); coding-DNA position 226, G replaced by A.
Protein change: p.Asp76Asn; replaces aspartic acid 76 with asparagine.
Molecular consequence: missense variant.
Genome position (GRCh38, 1-based): chr16:2,496,374, G>A. VCF-style: chr16-2496374-G-A. GRCh37 (hg19) VCF-style: chr16-2546375-G-A.
Other names: c.226G>A, p.Asp76Asn (NM_020705.3); short protein forms D76N.
Identifiers: ClinVar variation 652727 (VCV000652727.11), dbSNP rs979223146, ClinGen allele CA276809614.

ClinVar aggregate classification (germline): Uncertain significance. Review status: criteria provided, multiple submitters, no conflicts (2 of 4 stars). 3 submissions from 3 submitters: Uncertain significance (3). Last evaluated 2025-10-29.

Conditions:
Developmental and epileptic encephalopathy, 1 (DEE1). Also called: X-linked infantile spasms; West's syndrome; Tonic spasms with clustering, arrest of psychomotor development and hypsarrhythmia on EEG; X-Linked Infantile Spasm Syndrome; OHTAHARA SYNDROME, X-LINKED; INFANTILE SPASM SYNDROME, X-LINKED 1. Identifiers: MedGen C3463992, MONDO:0010632, OMIM 308350. Disease mechanism: loss of function.
Autosomal dominant nonsyndromic hearing loss 65. Also called: Deafness, autosomal dominant 65; TBC1D24-Related Autosomal Dominant Nonsyndromic Hearing Loss (DFNA). Identifiers: Orphanet 90635, MedGen C3892048, MONDO:0014470, OMIM 616044.

Allele frequency attached by ClinVar (database versions not stated): gnomAD exomes below 0.00001 and 0.00002; TOPMed 0.00001.

Submissions (3):

Labcorp Genetics (formerly Invitae), Labcorp
Classification: Uncertain significance for Developmental and epileptic encephalopathy, 1; Autosomal dominant nonsyndromic hearing loss 65. Last evaluated: 2025-10-29. Review status: criteria provided, single submitter. Criteria: Invitae Variant Classification Sherloc (09022015). Collection method: clinical testing. Allele origin: germline.
Comment: This sequence change replaces aspartic acid, which is acidic and polar, with asparagine, which is neutral and polar, at codon 76 of the TBC1D24 protein (p.Asp76Asn). This variant is present in population databases (no rsID available, gnomAD 0.006%). This variant has not been reported in the literature in individuals affected with TBC1D24-related conditions. ClinVar contains an entry for this variant (Variation ID: 652727). Invitae Evidence Modeling of protein sequence and biophysical properties (such as structural, functional, and spatial information, amino acid conservation, physicochemical variation, residue mobility, and thermodynamic stability) indicates that this missense variant is not expected to disrupt TBC1D24 protein function with a negative predictive value of 80%. In summary, the available evidence is currently insufficient to determine the role of this variant in disease. Therefore, it has been classified as a Variant of Uncertain Significance.

GeneDx
Classification: Uncertain significance. Last evaluated: 2024-11-06. Review status: criteria provided, single submitter. Criteria: GeneDx Variant Classification Process June 2021. Collection method: clinical testing. Allele origin: germline. Affected: yes.
Comment: Not observed at significant frequency in large population cohorts (gnomAD); In silico analysis supports that this missense variant has a deleterious effect on protein structure/function; Has not been previously published as pathogenic or benign to our knowledge

Blueprint Genetics
Classification: Uncertain significance. Last evaluated: 2024-01-26. Review status: criteria provided, single submitter. Criteria: ACMG Guidelines, 2015. Collection method: clinical testing. Allele origin: germline.